The following is an entry in ClinVar:

ClinVar aggregate classification (germline): Benign/Likely benign. Review status: criteria provided, multiple submitters, no conflicts (2 of 4 stars). 3 submissions from 3 submitters: Benign (1); Likely benign (2). Last evaluated 2025-03-14.

Conditions:
Pheochromocytoma/paraganglioma syndrome 3. Also called: SDHC-Related Hereditary Paraganglioma-Pheochromocytoma Syndrome (Paragangliomas 3); SDHC-Related Hereditary Paraganglioma-Pheochromocytoma Syndrome; Paragangliomas 3; GLOMUS TUMORS, FAMILIAL, 3. Identifiers: Orphanet 29072, MedGen C1854336, MONDO:0011544, OMIM 605373.
Hereditary cancer-predisposing syndrome. Also called: Neoplastic Syndromes, Hereditary; Hereditary Cancer Syndrome; Hereditary neoplastic syndrome; Tumor predisposition. Identifiers: Orphanet 140162, MedGen C0027672, MeSH D009386, MONDO:0015356.
Gastrointestinal stromal tumor. Also called: Gastrointestinal stromal tumor, somatic; Gastrointestinal stroma tumor. Identifiers: Orphanet 44890, MedGen C0238198, MeSH D046152, MONDO:0011719, OMIM 606764, HP:0100723.

Submissions (3):

Myriad Genetics, Inc.
Classification: Benign for Pheochromocytoma/paraganglioma syndrome 3. Last evaluated: 2025-03-14. Review status: criteria provided, single submitter. Criteria: Myriad Autosomal Dominant, Autosomal Recessive and X-Linked Classification Criteria (2023). Collection method: clinical testing. Allele origin: unknown.
Comment: This variant is considered benign. This variant is a silent/synonymous amino acid change and it is not expected to impact splicing.

Labcorp Genetics (formerly Invitae), Labcorp
Classification: Likely benign for Pheochromocytoma/paraganglioma syndrome 3; Gastrointestinal stromal tumor. Last evaluated: 2024-11-19. Review status: criteria provided, single submitter. Criteria: Invitae Variant Classification Sherloc (09022015). Collection method: clinical testing. Allele origin: germline.

Ambry Genetics
Classification: Likely benign for Hereditary cancer-predisposing syndrome. Last evaluated: 2017-12-18. Review status: criteria provided, single submitter. Criteria: Ambry Variant Classification Scheme 2023. Collection method: clinical testing. Allele origin: germline.

NM_003001.5(SDHC):c.177C>T (p.Tyr59=)

Gene: SDHC (succinate dehydrogenase complex subunit C; plus strand). Cytogenetic location: 1q23.3.
Variant type: single nucleotide variant.
Coding change: c.177C>T on transcript NM_003001.5 (MANE Select); coding-DNA position 177, C replaced by T.
Protein change: p.Tyr59=; no amino-acid change (tyrosine 59 retained).
Molecular consequence: synonymous variant. On other transcripts: non-coding transcript variant (1), intron variant (4).
Genome position (GRCh38, 1-based): chr1:161,328,495, C>T. VCF-style: chr1-161328495-C-T. GRCh37 (hg19) VCF-style: chr1-161298285-C-T.
Other names: c.177C>T, p.Tyr59= (NM_001035511.3, NM_001407115.1); c.120C>T, p.Tyr40= (NM_001407116.1, NM_001407117.1, NM_001407121.1); c.66C>T, p.Tyr22= (NM_001407119.1, NM_001407120.1); c.77+4825C>T (NM_001035512.3, NM_001278172.3, NM_001407118.1); c.21-12099C>T (NM_001035513.3).
Identifiers: ClinVar variation 820072 (VCV000820072.8), dbSNP rs1571851717, ClinGen allele CA421408581.